The following is an entry in ClinVar:

ClinVar aggregate classification (germline): Uncertain significance (1 of 4 stars; one submission).

Conditions:
Bardet-Biedl syndrome (BBS). Identifiers: Orphanet 110, MedGen C0752166, MONDO:0015229.

Allele frequency attached by ClinVar (database versions not stated): gnomAD 0.00001; gnomAD exomes 0.00001; TOPMed 0.00001.
gnomAD v4.1: 11 of 1,581,102 alleles (0.0007%); highest among the groups gnomAD compares: Non-Finnish European, 0.00095%; no homozygotes.

Submission:

Labcorp Genetics (formerly Invitae), Labcorp
Classification: Uncertain significance for Bardet-Biedl syndrome. Last evaluated: 2022-01-03. Review status: criteria provided, single submitter. Criteria: Invitae Variant Classification Sherloc (09022015). Collection method: clinical testing. Allele origin: germline.
Comment: This sequence change replaces threonine, which is neutral and polar, with isoleucine, which is neutral and non-polar, at codon 222 of the BBS9 protein (p.Thr222Ile). This variant is present in population databases (no rsID available, gnomAD 0.007%). This variant has not been reported in the literature in individuals affected with BBS9-related conditions. ClinVar contains an entry for this variant (Variation ID: 1005247). Algorithms developed to predict the effect of missense changes on protein structure and function are either unavailable or do not agree on the potential impact of this missense change (SIFT: "Deleterious"; PolyPhen-2: "Benign"; Align-GVGD: "Class C65"). In summary, the available evidence is currently insufficient to determine the role of this variant in disease. Therefore, it has been classified as a Variant of Uncertain Significance.

NM_198428.3(BBS9):c.665C>T (p.Thr222Ile)

Gene: BBS9 (Bardet-Biedl syndrome 9; plus strand). Cytogenetic location: 7p14.3.
Variant type: single nucleotide variant.
Coding change: c.665C>T on transcript NM_198428.3 (MANE Select); coding-DNA position 665, C replaced by T.
Protein change: p.Thr222Ile; replaces threonine 222 with isoleucine.
Molecular consequence: missense variant. On other transcripts: non-coding transcript variant (3).
Genome position (GRCh38, 1-based): chr7:33,264,337, C>T. VCF-style: chr7-33264337-C-T. GRCh37 (hg19) VCF-style: chr7-33303949-C-T.
Other names: c.665C>T, p.Thr222Ile (NM_001033604.2, NM_001033605.2, NM_001348036.1 and 5 more transcripts); c.299C>T, p.Thr100Ile (NM_001348037.3, NM_001348044.3, NM_001348045.3 and 1 more transcripts); c.392C>T, p.Thr131Ile (NM_001348038.3, NM_001348039.3); c.530C>T, p.Thr177Ile (NM_001348042.3); short protein forms T100I, T131I, T177I, T222I.
Identifiers: ClinVar variation 1005247 (VCV001005247.6), dbSNP rs1317691865, ClinGen allele CA367253578.